The following is an entry in ClinVar:

NM_024298.5(MBOAT7):c.516C>G (p.Thr172=)

Gene: MBOAT7 (membrane bound acylglycerophosphatidylinositol O-acyltransferase MBOAT7; minus strand). Cytogenetic location: 19q13.42.
Variant type: single nucleotide variant.
Coding change: c.516C>G on transcript NM_024298.5 (MANE Select); coding-DNA position 516, C replaced by G.
Protein change: p.Thr172=; no amino-acid change (threonine 172 retained).
Molecular consequence: synonymous variant.
Genome position (GRCh38, 1-based): chr19:54,181,111, G>C on the plus strand (C>G on the coding strand, the complement: MBOAT7 is on the minus strand). VCF-style: chr19-54181111-G-C. GRCh37 (hg19) VCF-style: chr19-54684828-G-C.
Other names: c.297C>G, p.Thr99= (NM_001146056.3, NM_001146083.3); c.516C>G, p.Thr172= (NM_001146082.3).
Identifiers: ClinVar variation 3234445 (VCV003234445.20), dbSNP rs777379271, ClinGen allele CA309346681.

ClinVar aggregate classification (germline): Likely benign (1 of 4 stars; one submission).

Allele frequency attached by ClinVar (database versions not stated): gnomAD 0.00001; TOPMed 0.00001.

Submission:

CeGaT Center for Human Genetics Tuebingen
Classification: Likely benign. Last evaluated: 2024-09-01. Review status: criteria provided, single submitter. Criteria: CeGaT Center For Human Genetics Tuebingen Variant Classification Criteria Version 2. Collection method: clinical testing. Allele origin: germline. Affected: yes. Observed: 2 variant alleles.
Comment: MBOAT7: BP4, BP7